The following is an entry in ClinVar:

NM_001363540.2(DOCK4):c.4417-2A>G

Gene: DOCK4 (dedicator of cytokinesis 4; minus strand). Cytogenetic location: 7q31.1.
Variant type: single nucleotide variant.
Coding change: c.4417-2A>G on transcript NM_001363540.2 (MANE Select); the canonical splice acceptor site of the intron before coding-DNA position 4417, A replaced by G.
Molecular consequence: splice acceptor variant.
Genome position (GRCh38, 1-based): chr7:111,747,445, T>C on the plus strand (A>G on the coding strand, the complement: DOCK4 is on the minus strand). VCF-style: chr7-111747445-T-C. GRCh37 (hg19) VCF-style: chr7-111387501-T-C.
Other names: c.4390-2A>G (NM_014705.4).
Identifiers: ClinVar variation 3040477 (VCV003040477.2), dbSNP rs2536288745, ClinGen allele CA368952903.

ClinVar aggregate classification (germline): Uncertain significance (0 of 4 stars; one submission).

Conditions:
DOCK4-related disorder. Also called: DOCK4-related condition.

Allele frequency attached by ClinVar (database versions not stated): gnomAD exomes below 0.00001.
gnomAD v4.1: 1 of 1,587,688 alleles (0.000063%); highest among the groups gnomAD compares: Non-Finnish European, 0.000086%; no homozygotes.

Submission:

PreventionGenetics, part of Exact Sciences
Classification: Uncertain significance for DOCK4-related condition. Last evaluated: 2023-10-25. Review status: no assertion criteria provided. Collection method: clinical testing. Allele origin: germline.
Comment: The DOCK4 c.4417-2A>G variant is predicted to disrupt the AG splice acceptor site and interfere with normal splicing. To our knowledge, this variant has not been reported in the literature or in a large population database, indicating this variant is rare. Loss-of-function, by means of aberrant splicing or premature termination, has not been definitively established as a cause of disease for DOCK4. However, gnomAD data suggest that this gene is constrained for loss-of-function variation. At this time, the clinical significance of this variant is uncertain due to the absence of conclusive functional and genetic evidence.